The following is an entry in ClinVar:

NM_000156.6(GAMT):c.551A>G (p.Asp184Gly)

Gene: GAMT (guanidinoacetate N-methyltransferase; minus strand). Cytogenetic location: 19p13.3.
Variant type: single nucleotide variant.
Coding change: c.551A>G on transcript NM_000156.6 (MANE Select); coding-DNA position 551, A replaced by G.
Protein change: p.Asp184Gly; replaces aspartic acid 184 with glycine.
Molecular consequence: missense variant.
Genome position (GRCh38, 1-based): chr19:1,398,935, T>C on the plus strand (A>G on the coding strand, the complement: GAMT is on the minus strand). VCF-style: chr19-1398935-T-C. GRCh37 (hg19) VCF-style: chr19-1398934-T-C.
Other names: c.551A>G, p.Asp184Gly (NM_138924.3); short protein forms D184G.
Identifiers: ClinVar variation 1326718 (VCV001326718.2), dbSNP rs1569005073, ClinGen allele CA402994135.

ClinVar aggregate classification (germline): Uncertain significance (1 of 4 stars; one submission).

Allele frequency attached by ClinVar (database versions not stated): gnomAD exomes below 0.00001; gnomAD 0.00001.
gnomAD v4.1: 2 of 1,613,270 alleles (0.00012%); highest among the groups gnomAD compares: Non-Finnish European, 0.00017%; no homozygotes.

Submission:

GeneDx
Classification: Uncertain significance. Last evaluated: 2021-05-28. Review status: criteria provided, single submitter. Criteria: GeneDx Variant Classification Process June 2021. Collection method: clinical testing. Allele origin: germline. Affected: yes.
Comment: Not observed at significant frequency in large population cohorts (Lek et al., 2016); In silico analysis supports that this missense variant does not alter protein structure/function; Has not been previously published as pathogenic or benign to our knowledge; This variant is associated with the following publications: (PMID: 27535533)